The following is an entry in ClinVar:

NM_005199.5(CHRNG):c.1366_1367del (p.His457fs)

Genes: TIGD1 (tigger transposable element derived 1; minus strand), CHRNG (cholinergic receptor nicotinic gamma subunit; plus strand). Cytogenetic location: 2q37.1.
Variant type: Microsatellite.
Coding change: c.1366_1367del on transcript NM_005199.5 (MANE Select); coding-DNA positions 1366 to 1367, 2 bases deleted (AG; older notation c.1366_1367delAG).
Protein change: p.His457fs; shifts the reading frame from histidine 457.
Molecular consequence: frameshift variant. On other transcripts: 3 prime UTR variant (1).
Genome position (GRCh38, 1-based): chr2:232,544,888-232,544,889, AG deleted; deleting any 2 consecutive bases within chr2:232,544,886-232,544,889 gives the same sequence; the c. name uses the placement nearest the transcript's 3' end. VCF-style (leftmost placement, unchanged base first): chr2-232544885-CAG-C. GRCh37 (hg19) VCF-style: chr2-233409595-CAG-C.
Other names: c.*3218CT[1] (NM_145702.4); c.1366_1367delAG (NM_005199.5); short protein forms H457fs.
Identifiers: ClinVar variation 800757 (VCV000800757.2), dbSNP rs1309599304, ClinGen allele CA540004213.

ClinVar aggregate classification (germline): Uncertain significance. Review status: criteria provided, single submitter (1 of 4 stars). 2 submissions from 2 submitters: Uncertain significance (1). 1 of the submissions does not count toward it. Last evaluated 2024-08-06.

Conditions:
Autosomal recessive multiple pterygium syndrome. Also called: MULTIPLE PTERYGIUM SYNDROME, ESCOBAR VARIANT; PTERYGIUM COLLI SYNDROME; PTERYGIUM SYNDROME; PTERYGIUM UNIVERSALE. Identifiers: Orphanet 2990, MedGen C0265261, MONDO:0009926, OMIM 265000.

Submissions (2):

Women's Health and Genetics/Laboratory Corporation of America, LabCorp
Classification: Uncertain significance. Last evaluated: 2024-08-06. Review status: criteria provided, single submitter. Criteria: LabCorp Variant Classification Summary - May 2015. Collection method: clinical testing. Allele origin: germline.
Comment: Variant summary: CHRNG c.1366_1367delAG (p.His457LeufsX2) results in a premature termination codon, predicted to cause a truncation of the encoded protein, however nonsense mediated decay is not predicted. The variant allele was found at a frequency of 4e-06 in 251194 control chromosomes. The available data on variant occurrences in the general population are insufficient to allow any conclusion about variant significance. To our knowledge, no occurrence of c.1366_1367delAG in individuals affected with Lethal Multiple Pterygium Syndrome - CHRNG Related and no experimental evidence demonstrating its impact on protein function have been reported. ClinVar contains an entry for this variant (Variation ID: 800757). Based on the evidence outlined above, the variant was classified as uncertain significance.

Biochemical Molecular Genetic Laboratory, King Abdulaziz Medical City
Classification: Likely pathogenic for Autosomal recessive multiple pterygium syndrome. Last evaluated: 2019-01-29. Review status: no assertion criteria provided. Collection method: clinical testing. Allele origin: germline. Affected: yes. Not counted in ClinVar's aggregate classification.